The following is an entry in ClinVar:

ClinVar aggregate classification (germline): Uncertain significance (1 of 4 stars; one submission).

Submission:

Labcorp Genetics (formerly Invitae), Labcorp
Classification: Uncertain significance. Last evaluated: 2024-06-26. Review status: criteria provided, single submitter. Criteria: Invitae Variant Classification Sherloc (09022015). Collection method: clinical testing. Allele origin: germline.
Comment: This sequence change affects a donor splice site in intron 1 of the AKR1C4 gene. It is expected to disrupt RNA splicing. Variants that disrupt the donor or acceptor splice site typically lead to a loss of protein function (PMID: 16199547), however the current clinical and genetic evidence is not sufficient to establish whether loss-of-function variants in AKR1C4 cause disease. This variant is not present in population databases (gnomAD no frequency). This variant has not been reported in the literature in individuals affected with AKR1C4-related conditions. Algorithms developed to predict the effect of sequence changes on RNA splicing suggest that this variant may disrupt the consensus splice site. In summary, the available evidence is currently insufficient to determine the role of this variant in disease. Therefore, it has been classified as a Variant of Uncertain Significance.

Literature cited by the submitters: PubMed 16199547.

NM_001818.5(AKR1C4):c.84+2T>C

Gene: AKR1C4 (aldo-keto reductase family 1 member C4; plus strand). Cytogenetic location: 10p15.1.
Variant type: single nucleotide variant.
Coding change: c.84+2T>C on transcript NM_001818.5 (MANE Select); the canonical splice donor site of the intron after coding-DNA position 84, T replaced by C.
Molecular consequence: splice donor variant.
Genome position (GRCh38, 1-based): chr10:5,196,953, T>C. VCF-style: chr10-5196953-T-C. GRCh37 (hg19) VCF-style: chr10-5238916-T-C.
Identifiers: ClinVar variation 3668231 (VCV003668231.2).